The following is an entry in ClinVar:

NM_015215.4(CAMTA1):c.2568G>A (p.Ser856=)

Gene: CAMTA1 (calmodulin binding transcription activator 1; plus strand). Cytogenetic location: 1p36.23.
Variant type: single nucleotide variant.
Coding change: c.2568G>A on transcript NM_015215.4 (MANE Select); coding-DNA position 2568, G replaced by A.
Protein change: p.Ser856=; no amino-acid change (serine 856 retained).
Molecular consequence: synonymous variant.
Genome position (GRCh38, 1-based): chr1:7,665,115, G>A. VCF-style: chr1-7665115-G-A. GRCh37 (hg19) VCF-style: chr1-7725175-G-A.
Other names: c.2478G>A, p.Ser826= (NM_001349608.2, NM_001349612.2); c.2568G>A, p.Ser856= (NM_001349609.2, NM_001349610.2).
Identifiers: ClinVar variation 210560 (VCV000210560.36), dbSNP rs374177752, ClinGen allele CA208706.

ClinVar aggregate classification (germline): Conflicting classifications of pathogenicity. Review status: criteria provided, conflicting classifications (1 of 4 stars). 4 submissions from 4 submitters: Uncertain significance (1); Likely benign (3). Last evaluated 2025-10-27.

Allele frequency attached by ClinVar (database versions not stated): ESP Exome Variant Server 0.00008; TOPMed 0.00010; gnomAD 0.00013; ExAC 0.00019.
gnomAD v4.1: 258 of 1,526,120 alleles (0.017%); highest among the groups gnomAD compares: Non-Finnish European, 0.021%; no homozygotes.

Submissions (4):

Labcorp Genetics (formerly Invitae), Labcorp
Classification: Likely benign. Last evaluated: 2025-10-27. Review status: criteria provided, single submitter. Criteria: Invitae Variant Classification Sherloc (09022015). Collection method: clinical testing. Allele origin: germline.

CeGaT Center for Human Genetics Tuebingen
Classification: Likely benign. Last evaluated: 2025-05-01. Review status: criteria provided, single submitter. Criteria: CeGaT Center For Human Genetics Tuebingen Variant Classification Criteria Version 2. Collection method: clinical testing. Allele origin: germline. Affected: yes. Observed: 2 variant alleles.
Comment: CAMTA1: BP4, BP7

Blueprint Genetics
Classification: Likely benign. Last evaluated: 2024-10-24. Review status: criteria provided, single submitter. Criteria: ACMG Guidelines, 2015. Collection method: clinical testing. Allele origin: germline.

Genetic Services Laboratory, University of Chicago
Classification: Uncertain significance. Last evaluated: 2014-06-27. Review status: criteria provided, single submitter. Criteria: ACMG Guidelines, 2015. Collection method: clinical testing. Allele origin: germline.